The following is an entry in ClinVar:

ClinVar aggregate classification (germline): Uncertain significance (1 of 4 stars; one submission).

Conditions:
Familial adenomatous polyposis 1 (FAP1). Also called: FAMILIAL ADENOMATOUS POLYPOSIS 1, ATTENUATED; POLYPOSIS, ADENOMATOUS INTESTINAL. Identifiers: MedGen C2713442, MONDO:0021056, OMIM 175100. Disease mechanism: loss of function.

Allele frequency attached by ClinVar (database versions not stated): gnomAD exomes below 0.00001.

Submission:

Labcorp Genetics (formerly Invitae), Labcorp
Classification: Uncertain significance for Familial adenomatous polyposis 1. Last evaluated: 2025-10-13. Review status: criteria provided, single submitter. Criteria: Invitae Variant Classification Sherloc (09022015). Collection method: clinical testing. Allele origin: germline.
Comment: This variant occurs in a non-coding region of the APC gene. It does not change the encoded amino acid sequence of the APC protein. This variant is not present in population databases (gnomAD no frequency). This variant has not been reported in the literature in individuals affected with APC-related conditions. Experimental studies and prediction algorithms are not available or were not evaluated, and the functional significance of this variant is currently unknown. In summary, the available evidence is currently insufficient to determine the role of this variant in disease. Therefore, it has been classified as a Variant of Uncertain Significance.

NC_000005.10:g.112707480A>G

Genes: APC (APC regulator of Wnt signaling pathway; plus strand), LOC129994371 (ATAC-STARR-seq lymphoblastoid active region 22910; plus strand). Cytogenetic location: 5q22.2.
Variant type: single nucleotide variant.
Genome position: GRCh38 VCF-style: chr5-112707480-A-G. GRCh37 (hg19) VCF-style: chr5-112043177-A-G.
Identifiers: ClinVar variation 1039614 (VCV001039614.10), dbSNP rs1750567134, ClinGen allele CA1573442351.